The following is an entry in ClinVar:

ClinVar aggregate classification (germline): Uncertain significance. Review status: criteria provided, multiple submitters, no conflicts (2 of 4 stars). 2 submissions from 2 submitters: Uncertain significance (2). Last evaluated 2022-09-30.

Conditions:
Familial cancer of breast. Also called: BREAST CANCER, FAMILIAL; Hereditary breast cancer; hereditary breast carcinoma. Identifiers: Orphanet 227535, MedGen C0346153, MONDO:0016419, OMIM 114480. Disease mechanism: loss of function.
Fanconi anemia complementation group J. Also called: BRIP1-Related Fanconi Anemia. Identifiers: Orphanet 84, MedGen C1836860, MONDO:0012187, OMIM 609054.
Hereditary cancer-predisposing syndrome. Also called: Neoplastic Syndromes, Hereditary; Hereditary neoplastic syndrome; Hereditary Cancer Syndrome; Tumor predisposition. Identifiers: Orphanet 140162, MedGen C0027672, MeSH D009386, MONDO:0015356.

Allele frequency attached by ClinVar (database versions not stated): gnomAD exomes below 0.00001.
gnomAD v4.1: 1 of 1,613,926 alleles (0.000062%); highest among the groups gnomAD compares: Non-Finnish European, 0.000085%; no homozygotes.

Submissions (2):

Ambry Genetics
Classification: Uncertain significance for Hereditary cancer-predisposing syndrome. Last evaluated: 2022-09-30. Review status: criteria provided, single submitter. Criteria: Ambry Variant Classification Scheme 2023. Collection method: clinical testing. Allele origin: germline.
Comment: The p.K209E variant (also known as c.625A>G), located in coding exon 5 of the BRIP1 gene, results from an A to G substitution at nucleotide position 625. The lysine at codon 209 is replaced by glutamic acid, an amino acid with similar properties. This amino acid position is conserved. In addition, this alteration is predicted to be tolerated by in silico analysis. Since supporting evidence is limited at this time, the clinical significance of this alteration remains unclear.

Labcorp Genetics (formerly Invitae), Labcorp
Classification: Uncertain significance for Familial cancer of breast; Fanconi anemia complementation group J. Last evaluated: 2021-02-03. Review status: criteria provided, single submitter. Criteria: Invitae Variant Classification Sherloc (09022015). Collection method: clinical testing. Allele origin: germline.
Comment: This variant has not been reported in the literature in individuals with BRIP1-related conditions. In summary, the available evidence is currently insufficient to determine the role of this variant in disease. Therefore, it has been classified as a Variant of Uncertain Significance. Algorithms developed to predict the effect of missense changes on protein structure and function (SIFT, PolyPhen-2, Align-GVGD) all suggest that this variant is likely to be tolerated, but these predictions have not been confirmed by published functional studies and their clinical significance is uncertain. This variant is not present in population databases (ExAC no frequency). This sequence change replaces lysine with glutamic acid at codon 209 of the BRIP1 protein (p.Lys209Glu). The lysine residue is weakly conserved and there is a small physicochemical difference between lysine and glutamic acid.

NM_032043.3(BRIP1):c.625A>G (p.Lys209Glu)

Gene: BRIP1 (BRCA1 interacting DNA helicase 1; minus strand). Cytogenetic location: 17q23.2.
Variant type: single nucleotide variant.
Coding change: c.625A>G on transcript NM_032043.3 (MANE Select); coding-DNA position 625, A replaced by G.
Protein change: p.Lys209Glu; replaces lysine 209 with glutamic acid.
Molecular consequence: missense variant.
Genome position (GRCh38, 1-based): chr17:61,847,103, T>C on the plus strand (A>G on the coding strand, the complement: BRIP1 is on the minus strand). VCF-style: chr17-61847103-T-C. GRCh37 (hg19) VCF-style: chr17-59924464-T-C.
Other names: short protein forms K209E.
Identifiers: ClinVar variation 943719 (VCV000943719.13), dbSNP rs2078745221, ClinGen allele CA400482784.